The following is an entry in ClinVar:

NM_001384732.1(CPLANE1):c.6172-3A>C

Gene: CPLANE1 (ciliogenesis and planar polarity effector complex subunit 1; minus strand). Cytogenetic location: 5p13.2.
Variant type: single nucleotide variant.
Coding change: c.6172-3A>C on transcript NM_001384732.1 (MANE Select); 3 bases into the intron before coding-DNA position 6172, A replaced by C.
Molecular consequence: intron variant.
Genome position (GRCh38, 1-based): chr5:37,170,334, T>G on the plus strand (A>C on the coding strand, the complement: CPLANE1 is on the minus strand). VCF-style: chr5-37170334-T-G. GRCh37 (hg19) VCF-style: chr5-37170436-T-G.
Other names: c.6172-3A>C (NM_023073.4, NM_023073.3).
Identifiers: ClinVar variation 1368498 (VCV001368498.5), dbSNP rs780811930, ClinGen allele CA3238310.
Genomic context (GRCh38, chr5:37,170,334, plus strand): 5'-GATTAGCAAAGGATGATCCTACTATTTGCATTAGGCTCATGAAGTTGATCTGTTGCAGCT[T>G]GAATAAAACAAAAATTGAAGCGATATCTTAAAATATAACAAAAAGAATCTAAGGAATAAC-3'

ClinVar aggregate classification (germline): Uncertain significance. Review status: criteria provided, single submitter (1 of 4 stars). 2 submissions from 2 submitters: Uncertain significance (1). 1 of the submissions does not count toward it. Last evaluated 2022-06-15.

Conditions:
CPLANE1-related disorder. Also called: CPLANE1-related condition.

Allele frequency attached by ClinVar (database versions not stated): gnomAD exomes 0.00001 and 0.00005; gnomAD 0.00003; TOPMed 0.00003; ExAC 0.00008.
gnomAD v4.1: 14 of 1,597,458 alleles (0.00088%); highest among the groups gnomAD compares: Admixed American, 0.018%; no homozygotes.

Submissions (2):

Labcorp Genetics (formerly Invitae), Labcorp
Classification: Uncertain significance. Last evaluated: 2022-06-15. Review status: criteria provided, single submitter. Criteria: Invitae Variant Classification Sherloc (09022015). Collection method: clinical testing. Allele origin: germline.
Comment: This sequence change falls in intron 32 of the CPLANE1 gene. It does not directly change the encoded amino acid sequence of the CPLANE1 protein. It affects a nucleotide within the consensus splice site. This variant is present in population databases (rs780811930, gnomAD 0.04%). This variant has not been reported in the literature in individuals affected with CPLANE1-related conditions. Variants that disrupt the consensus splice site are a relatively common cause of aberrant splicing (PMID: 17576681, 9536098). Algorithms developed to predict the effect of sequence changes on RNA splicing suggest that this variant may disrupt the consensus splice site. In summary, the available evidence is currently insufficient to determine the role of this variant in disease. Therefore, it has been classified as a Variant of Uncertain Significance.

PreventionGenetics, part of Exact Sciences
Classification: Likely benign for CPLANE1-related condition. Last evaluated: 2019-08-05. Review status: no assertion criteria provided. Collection method: clinical testing. Allele origin: germline. Not counted in ClinVar's aggregate classification.
Comment: This variant is classified as likely benign based on ACMG/AMP sequence variant interpretation guidelines (Richards et al. 2015 PMID: 25741868, with internal and published modifications).

Literature cited by the submitters: PubMed 17576681 (cited by Labcorp Genetics (formerly Invitae), Labcorp); PubMed 9536098 (cited by Labcorp Genetics (formerly Invitae), Labcorp).